The following is an entry in ClinVar:

ClinVar aggregate classification (germline): Likely benign (1 of 4 stars; one submission).

Conditions:
PDE6B-related disorder. Also called: PDE6B-related disease; PDE6B-related condition; PDE6B-related disorders.

gnomAD v4.1: 19 of 1,612,582 alleles (0.0012%); highest among the groups gnomAD compares: Non-Finnish European, 0.0015%; no homozygotes.

Submission:

PreventionGenetics, part of Exact Sciences
Classification: Likely benign for PDE6B-related condition. Last evaluated: 2026-08-25. Review status: criteria provided, single submitter. Criteria: ACMG Guidelines, 2015. Collection method: clinical testing. Allele origin: germline.
Comment: This variant is classified as likely benign based on ACMG/AMP sequence variant interpretation guidelines (Richards et al. 2015 PMID: 25741868, with internal and published modifications).

NM_000283.4(PDE6B):c.1749G>T (p.Thr583=)

Gene: PDE6B (phosphodiesterase 6B; plus strand). Cytogenetic location: 4p16.3.
Variant type: single nucleotide variant.
Coding change: c.1749G>T on transcript NM_000283.4 (MANE Select); coding-DNA position 1749, G replaced by T.
Protein change: p.Thr583=; no amino-acid change (threonine 583 retained).
Molecular consequence: synonymous variant.
Genome position (GRCh38, 1-based): chr4:662,535, G>T. VCF-style: chr4-662535-G-T. GRCh37 (hg19) VCF-style: chr4-656324-G-T.
Other names: c.1749G>T, p.Thr583= (NM_001145291.2, NM_001440547.1, NM_001440548.1); c.912G>T, p.Thr304= (NM_001145292.2, NM_001350154.3, NM_001379246.1 and 1 more transcripts); c.594G>T, p.Thr198= (NM_001350155.3).
Identifiers: ClinVar variation 4993501 (VCV004993501.1).